The following is an entry in ClinVar:

NM_004990.4(MARS1):c.2237T>G (p.Val746Gly)

Gene: MARS1 (methionyl-tRNA synthetase 1; plus strand). Cytogenetic location: 12q13.3.
Variant type: single nucleotide variant.
Coding change: c.2237T>G on transcript NM_004990.4 (MANE Select); coding-DNA position 2237, T replaced by G.
Protein change: p.Val746Gly; replaces valine 746 with glycine.
Molecular consequence: missense variant.
Genome position (GRCh38, 1-based): chr12:57,515,182, T>G. VCF-style: chr12-57515182-T-G. GRCh37 (hg19) VCF-style: chr12-57908965-T-G.
Other names: short protein forms V746G.
Identifiers: ClinVar variation 1681782 (VCV001681782.8), dbSNP rs758918563, ClinGen allele CA6650754.

ClinVar aggregate classification (germline): Uncertain significance (1 of 4 stars; one submission).

Conditions:
Severe early-onset pulmonary alveolar proteinosis due to MARS deficiency. Also called: PULMONARY ALVEOLAR PROTEINOSIS, REUNION ISLAND; Interstitial lung and liver disease. Identifiers: Orphanet 440427, MedGen C4225400, MONDO:0014206, OMIM 615486.
Charcot-Marie-Tooth disease axonal type 2U. Also called: CHARCOT-MARIE-TOOTH NEUROPATHY, TYPE 2U; CHARCOT-MARIE-TOOTH DISEASE, AXONAL, AUTOSOMAL DOMINANT, TYPE 2U. Identifiers: Orphanet 397735, MedGen C4084821, MONDO:0014566, OMIM 616280.

Allele frequency attached by ClinVar (database versions not stated): gnomAD 0.00001; gnomAD exomes 0.00001; TOPMed 0.00001; ExAC 0.00002.
gnomAD v4.1: 22 of 1,614,062 alleles (0.0014%); highest among the groups gnomAD compares: Non-Finnish European, 0.0017%; no homozygotes.

Submission:

Labcorp Genetics (formerly Invitae), Labcorp
Classification: Uncertain significance for Charcot-Marie-Tooth disease axonal type 2U; Severe early-onset pulmonary alveolar proteinosis due to MARS deficiency. Last evaluated: 2021-05-01. Review status: criteria provided, single submitter. Criteria: Invitae Variant Classification Sherloc (09022015). Collection method: clinical testing. Allele origin: germline.
Comment: This variant has not been reported in the literature in individuals with MARS-related conditions. Algorithms developed to predict the effect of missense changes on protein structure and function are either unavailable or do not agree on the potential impact of this missense change (SIFT: "Deleterious"; PolyPhen-2: "Possibly Damaging"; Align-GVGD: "Class C0"). In summary, the available evidence is currently insufficient to determine the role of this variant in disease. Therefore, it has been classified as a Variant of Uncertain Significance. This sequence change replaces valine with glycine at codon 746 of the MARS protein (p.Val746Gly). The valine residue is highly conserved and there is a moderate physicochemical difference between valine and glycine. This variant is present in population databases (rs758918563, ExAC 0.003%).